The following is an entry in ClinVar:

ClinVar aggregate classification (germline): Uncertain significance (1 of 4 stars; one submission).

Submission:

GeneDx
Classification: Uncertain significance. Last evaluated: 2024-04-15. Review status: criteria provided, single submitter. Criteria: GeneDx Variant Classification Process June 2021. Collection method: clinical testing. Allele origin: germline. Affected: yes.
Comment: Not observed at significant frequency in large population cohorts (gnomAD); In silico analysis supports that this missense variant has a deleterious effect on protein structure/function; Has not been previously published as pathogenic or benign to our knowledge

NM_003128.3(SPTBN1):c.467G>A (p.Arg156His)

Gene: SPTBN1 (spectrin beta, non-erythrocytic 1; plus strand). Cytogenetic location: 2p16.2.
Variant type: single nucleotide variant.
Coding change: c.467G>A on transcript NM_003128.3 (MANE Select); coding-DNA position 467, G replaced by A.
Protein change: p.Arg156His; replaces arginine 156 with histidine.
Molecular consequence: missense variant.
Genome position (GRCh38, 1-based): chr2:54,612,327, G>A. VCF-style: chr2-54612327-G-A. GRCh37 (hg19) VCF-style: chr2-54839464-G-A.
Other names: c.428G>A, p.Arg143His (NM_178313.3); short protein forms R143H, R156H.
Identifiers: ClinVar variation 3372571 (VCV003372571.1).